The following is an entry in ClinVar:

NM_001384732.1(CPLANE1):c.1955G>T (p.Arg652Ile)

Gene: CPLANE1 (ciliogenesis and planar polarity effector complex subunit 1; minus strand). Cytogenetic location: 5p13.2.
Variant type: single nucleotide variant.
Coding change: c.1955G>T on transcript NM_001384732.1 (MANE Select); coding-DNA position 1955, G replaced by T.
Protein change: p.Arg652Ile; replaces arginine 652 with isoleucine.
Molecular consequence: missense variant.
Genome position (GRCh38, 1-based): chr5:37,226,640, C>A on the plus strand (G>T on the coding strand, the complement: CPLANE1 is on the minus strand). VCF-style: chr5-37226640-C-A. GRCh37 (hg19) VCF-style: chr5-37226742-C-A.
Other names: c.1955G>T, p.Arg652Ile (NM_023073.4); short protein forms R652I.
Identifiers: ClinVar variation 4989628 (VCV004989628.1).

ClinVar aggregate classification (germline): Uncertain significance (1 of 4 stars; one submission).

Conditions:
CPLANE1-related disorder. Also called: CPLANE1-related condition.

gnomAD v4.1: 5 of 1,551,266 alleles (0.00032%); highest among the groups gnomAD compares: Non-Finnish European, 0.00044%; no homozygotes.

Submission:

PreventionGenetics, part of Exact Sciences
Classification: Uncertain significance for CPLANE1-related condition. Last evaluated: 2024-10-30. Review status: criteria provided, single submitter. Criteria: ACMG Guidelines, 2015. Collection method: clinical testing. Allele origin: germline.
Comment: The CPLANE1 c.1955G>T variant is predicted to result in the amino acid substitution p.Arg652Ile. To our knowledge, this variant has not been reported in the literature. This variant is reported in 0.0026% of alleles in individuals of European (Non-Finnish) descent in gnomAD. At this time, the clinical significance of this variant is uncertain due to the absence of conclusive functional and genetic evidence.